The following is an entry in ClinVar:

ClinVar aggregate classification (germline): Uncertain significance (1 of 4 stars; one submission).

Allele frequency attached by ClinVar (database versions not stated): gnomAD exomes below 0.00001.
gnomAD v4.1: 2 of 1,612,072 alleles (0.00012%); highest among the groups gnomAD compares: Admixed American, 0.0033%; no homozygotes.

Submission:

Labcorp Genetics (formerly Invitae), Labcorp
Classification: Uncertain significance. Last evaluated: 2024-08-21. Review status: criteria provided, single submitter. Criteria: Invitae Variant Classification Sherloc (09022015). Collection method: clinical testing. Allele origin: germline.
Comment: This sequence change replaces glutamine, which is neutral and polar, with glutamic acid, which is acidic and polar, at codon 167 of the IL18BP protein (p.Gln167Glu). This variant is present in population databases (no rsID available, gnomAD 0.006%). This variant has not been reported in the literature in individuals affected with IL18BP-related conditions. ClinVar contains an entry for this variant (Variation ID: 2192136). An algorithm developed to predict the effect of missense changes on protein structure and function (PolyPhen-2) suggests that this variant is likely to be disruptive. In summary, the available evidence is currently insufficient to determine the role of this variant in disease. Therefore, it has been classified as a Variant of Uncertain Significance.

NM_001039660.2(IL18BP):c.499C>G (p.Gln167Glu)

Gene: IL18BP (interleukin 18 binding protein; plus strand). Cytogenetic location: 11q13.4.
Variant type: single nucleotide variant.
Coding change: c.499C>G on transcript NM_001039660.2 (MANE Select); coding-DNA position 499, C replaced by G.
Protein change: p.Gln167Glu; replaces glutamine 167 with glutamic acid.
Molecular consequence: missense variant. On other transcripts: intron variant (2).
Genome position (GRCh38, 1-based): chr11:72,001,544, C>G. VCF-style: chr11-72001544-C-G. GRCh37 (hg19) VCF-style: chr11-71712590-C-G.
Other names: c.499C>G, p.Gln167Glu (NM_001039659.2, NM_001145057.1, NM_005699.3 and 1 more transcripts); c.379+120C>G (NM_173044.3); c.236-240C>G (NM_001145055.1); short protein forms Q167E.
Identifiers: ClinVar variation 2192136 (VCV002192136.4), dbSNP rs1478790206, ClinGen allele CA381724135.
Genomic context (GRCh38, chr11:72,001,544, plus strand): 5'-AACTTCTCCTGTGTGCTCGTGGACCCTGAACAGGTTGTCCAGCGTCACGTCGTCCTGGCC[C>G]AGCTCTGGGTGAGGAGCCCAAGGAGAGGCCTCCAGGAACAGGAGGAGCTCTGCTTCCATA-3'
Protein context (NP_001034749.1, residues 157-177): QVVQRHVVLA[Gln167Glu]LWAGLRATLP